The following is an entry in ClinVar:

ClinVar aggregate classification (germline): Uncertain significance. Review status: criteria provided, multiple submitters, no conflicts (2 of 4 stars). 2 submissions from 2 submitters: Uncertain significance (2). Last evaluated 2025-02-18.

Allele frequency attached by ClinVar (database versions not stated): TOPMed 0.00001.
gnomAD v4.1: 10 of 1,613,102 alleles (0.00062%); highest among the groups gnomAD compares: South Asian, 0.0011%; no homozygotes.

Submissions (2):

Labcorp Genetics (formerly Invitae), Labcorp
Classification: Uncertain significance. Last evaluated: 2025-02-18. Review status: criteria provided, single submitter. Criteria: Invitae Variant Classification Sherloc (09022015). Collection method: clinical testing. Allele origin: germline.
Comment: This sequence change replaces valine, which is neutral and non-polar, with isoleucine, which is neutral and non-polar, at codon 278 of the RASA2 protein (p.Val278Ile). This variant is present in population databases (rs201964495, gnomAD 0.003%). This variant has not been reported in the literature in individuals affected with RASA2-related conditions. ClinVar contains an entry for this variant (Variation ID: 2074163). Invitae Evidence Modeling of protein sequence and biophysical properties (such as structural, functional, and spatial information, amino acid conservation, physicochemical variation, residue mobility, and thermodynamic stability) indicates that this missense variant is not expected to disrupt RASA2 protein function with a negative predictive value of 80%. In summary, the available evidence is currently insufficient to determine the role of this variant in disease. Therefore, it has been classified as a Variant of Uncertain Significance.

Ambry Genetics
Classification: Uncertain significance. Last evaluated: 2024-11-30. Review status: criteria provided, single submitter. Criteria: Ambry Variant Classification Scheme 2023. Collection method: clinical testing. Allele origin: germline.
Comment: The p.V278I variant (also known as c.832G>A), located in coding exon 9 of the RASA2 gene, results from a G to A substitution at nucleotide position 832. The valine at codon 278 is replaced by isoleucine, an amino acid with highly similar properties. This amino acid position is conserved. In addition, this alteration is predicted to be tolerated by in silico analysis. Based on the available evidence, the clinical significance of this variant remains unclear.

NM_006506.5(RASA2):c.832G>A (p.Val278Ile)

Gene: RASA2 (RAS p21 protein activator 2; plus strand). Cytogenetic location: 3q23.
Variant type: single nucleotide variant.
Coding change: c.832G>A on transcript NM_006506.5 (MANE Select); coding-DNA position 832, G replaced by A.
Protein change: p.Val278Ile; replaces valine 278 with isoleucine.
Molecular consequence: missense variant.
Genome position (GRCh38, 1-based): chr3:141,559,964, G>A. VCF-style: chr3-141559964-G-A. GRCh37 (hg19) VCF-style: chr3-141278806-G-A.
Other names: c.832G>A, p.Val278Ile (NM_001303245.3, NM_001303246.3); c.832G>A (NM_006506.2); short protein forms V278I.
Identifiers: ClinVar variation 2074163 (VCV002074163.5), dbSNP rs201964495, ClinGen allele CA2645331.